The following is an entry in ClinVar:

NM_014946.4(SPAST):c.1343G>A (p.Cys448Tyr)

Gene: SPAST (spastin; plus strand). Cytogenetic location: 2p22.3.
Variant type: single nucleotide variant.
Coding change: c.1343G>A on transcript NM_014946.4 (MANE Select); coding-DNA position 1343, G replaced by A.
Protein change: p.Cys448Tyr; replaces cysteine 448 with tyrosine.
Molecular consequence: missense variant.
Genome position (GRCh38, 1-based): chr2:32,136,898, G>A. VCF-style: chr2-32136898-G-A. GRCh37 (hg19) VCF-style: chr2-32361967-G-A.
Other names: c.1340G>A, p.Cys447Tyr (NM_001363823.2); c.1244G>A, p.Cys415Tyr (NM_001363875.2); c.1247G>A, p.Cys416Tyr (NM_001377959.1, NM_199436.2); short protein forms C448Y, C415Y, C416Y, C447Y.
Identifiers: ClinVar variation 5658 (VCV000005658.14), dbSNP rs121908510, ClinGen allele CA253548.
Genomic context (GRCh38, chr2:32,136,898, plus strand): 5'-TGGTCTTTAATTAAAGTCTTATACTTGTATTTCCTCTAGATGAAGTTGATAGCCTTTTGT[G>A]TGAAAGAAGAGAAGGGGAGCACGATGCTAGTAGACGCCTAAAAACTGAATTTCTAATAGA-3'
Protein context (NP_055761.2, residues 438-458): IFIDEVDSLL[Cys448Tyr]ERREGEHDAS

ClinVar aggregate classification (germline): Pathogenic. Review status: criteria provided, multiple submitters, no conflicts (2 of 4 stars). 3 submissions from 3 submitters: Pathogenic (2). 1 of the submissions does not count toward it. Last evaluated 2025-03-27.

Conditions:
Hereditary spastic paraplegia 4. Also called: Familial spastic paraplegia autosomal dominant 2; Spastic Paraplegia 4; Spastic paraplegia 4, autosomal dominant. Identifiers: Orphanet 100985, MedGen C1866855, MONDO:0008438, OMIM 182601.

Submissions (3):

GeneDx
Classification: Pathogenic. Last evaluated: 2025-03-27. Review status: criteria provided, single submitter. Criteria: GeneDx Variant Classification Process June 2021. Collection method: clinical testing. Allele origin: germline.
Comment: Published functional studies demonstrate a damaging gain-of-function effect in multiple model systems, impacting microtubule activity and fast axonal transport (PMID: 24478365, 30520996, 28398512); Not observed at significant frequency in large population cohorts (gnomAD); In silico analysis supports that this missense variant has a deleterious effect on protein structure/function; This variant is associated with the following publications: (PMID: 10610178, 34664680, 24478365, 38473862, 31394733, 28870597, 37161652, 28398512, 30213879, 30520996, 31285604, 34935948, 31227335, 31751864, 21139634, 26094131, 29980238, 39334479, 28495799, 38968664, Mohan2024[Abstract], 39252960)

Labcorp Genetics (formerly Invitae), Labcorp
Classification: Pathogenic for Hereditary spastic paraplegia 4. Last evaluated: 2019-06-07. Review status: criteria provided, single submitter. Criteria: Invitae Variant Classification Sherloc (09022015). Collection method: clinical testing. Allele origin: germline.
Comment: This variant is not present in population databases (ExAC no frequency). This variant has been observed in individuals affected with spastic paraplegia (PMID: 10610178, 29980238). ClinVar contains an entry for this variant (Variation ID: 5658). This variant has been reported to affect SPAST protein function (PMID: 24478365, 28495799). For these reasons, this variant has been classified as Pathogenic. This sequence change replaces cysteine with tyrosine at codon 448 of the SPAST protein (p.Cys448Tyr). The cysteine residue is highly conserved and there is a large physicochemical difference between cysteine and tyrosine.

OMIM
Classification: Pathogenic for SPASTIC PARAPLEGIA 4. Last evaluated: 1999-11-01. Review status: no assertion criteria provided. Collection method: literature only. Allele origin: germline. Not counted in ClinVar's aggregate classification.

Literature cited by the submitters: PubMed 10610178 (cited by Labcorp Genetics (formerly Invitae), Labcorp and OMIM); PubMed 29980238 (cited by Labcorp Genetics (formerly Invitae), Labcorp); PubMed 24478365 (cited by Labcorp Genetics (formerly Invitae), Labcorp); PubMed 28495799 (cited by Labcorp Genetics (formerly Invitae), Labcorp); PubMed 30520996 (cited by OMIM).